The following is an entry in ClinVar:

NM_001376.5(DYNC1H1):c.11870T>G (p.Phe3957Cys)

Gene: DYNC1H1 (dynein cytoplasmic 1 heavy chain 1; plus strand). Cytogenetic location: 14q32.31.
Variant type: single nucleotide variant.
Coding change: c.11870T>G on transcript NM_001376.5 (MANE Select); coding-DNA position 11870, T replaced by G.
Protein change: p.Phe3957Cys; replaces phenylalanine 3957 with cysteine.
Molecular consequence: missense variant.
Genome position (GRCh38, 1-based): chr14:102,040,602, T>G. VCF-style: chr14-102040602-T-G. GRCh37 (hg19) VCF-style: chr14-102506939-T-G.
Other names: short protein forms F3957C.
Identifiers: ClinVar variation 3711115 (VCV003711115.2).

ClinVar aggregate classification (germline): Uncertain significance (1 of 4 stars; one submission).

Conditions:
Charcot-Marie-Tooth disease axonal type 2O. Also called: CHARCOT-MARIE-TOOTH NEUROPATHY, AXONAL, TYPE 2O; CHARCOT-MARIE-TOOTH DISEASE, AXONAL, AUTOSOMAL DOMINANT, TYPE 2O; Charcot-Marie-Tooth Neuropathy Type 2O; Charcot-Marie-Tooth disease, axonal, type 20. Identifiers: Orphanet 284232, MedGen C3280220, MONDO:0013644, OMIM 614228.

gnomAD v4.1: 2 of 1,614,176 alleles (0.00012%); highest among the groups gnomAD compares: Non-Finnish European, 0.00017%; no homozygotes.

Submission:

Labcorp Genetics (formerly Invitae), Labcorp
Classification: Uncertain significance for Charcot-Marie-Tooth disease axonal type 2O. Last evaluated: 2024-06-29. Review status: criteria provided, single submitter. Criteria: Invitae Variant Classification Sherloc (09022015). Collection method: clinical testing. Allele origin: germline.
Comment: This sequence change replaces phenylalanine, which is neutral and non-polar, with cysteine, which is neutral and slightly polar, at codon 3957 of the DYNC1H1 protein (p.Phe3957Cys). This variant is not present in population databases (gnomAD no frequency). This variant has not been reported in the literature in individuals affected with DYNC1H1-related conditions. Advanced modeling of protein sequence and biophysical properties (such as structural, functional, and spatial information, amino acid conservation, physicochemical variation, residue mobility, and thermodynamic stability) performed at Invitae indicates that this missense variant is not expected to disrupt DYNC1H1 protein function with a negative predictive value of 95%. In summary, the available evidence is currently insufficient to determine the role of this variant in disease. Therefore, it has been classified as a Variant of Uncertain Significance.